The following is an entry in ClinVar:

NM_152564.5(VPS13B):c.11399delinsAA (p.Leu3800Ter)

Gene: VPS13B (vacuolar protein sorting 13 homolog B; plus strand). Cytogenetic location: 8q22.2.
Variant type: Indel.
Coding change: c.11399delinsAA on transcript NM_152564.5 (MANE Select); coding-DNA position 11399, T replaced by AA.
Protein change: p.Leu3800Ter; replaces leucine 3800 with a stop codon.
Molecular consequence: nonsense. On other transcripts: frameshift variant (1).
Genome position (GRCh38, 1-based): chr8:99,870,791, T replaced by AA. VCF-style: chr8-99870791-T-AA. GRCh37 (hg19) VCF-style: chr8-100883019-T-AA.
Other names: c.11474delinsAA, p.Leu3825Ter (NM_017890.5); c.11399delTinsAA, p.Leu3800Terfs (NM_152564.4); short protein forms L3825*, L3800*.
Identifiers: ClinVar variation 4993045 (VCV004993045.1).

ClinVar aggregate classification (germline): Likely pathogenic (1 of 4 stars; one submission).

Conditions:
VPS13B-related disorder. Also called: VPS13B-related condition.

Submission:

PreventionGenetics, part of Exact Sciences
Classification: Likely pathogenic for VPS13B-related condition. Last evaluated: 2026-09-03. Review status: criteria provided, single submitter. Criteria: ACMG Guidelines, 2015. Collection method: clinical testing. Allele origin: germline.
Comment: The VPS13B c.11399delinsAA variant is predicted to result in premature protein termination (p.Leu3800*). To our knowledge, this variant has not been reported in the literature or in a large population database (gnomAD), indicating this variant is rare. Nonsense variants in VPS13B are expected to be pathogenic. This variant is interpreted as likely pathogenic.